The following is an entry in ClinVar:

NM_004526.4(MCM2):c.144A>G (p.Pro48=)

Gene: MCM2 (minichromosome maintenance complex component 2; plus strand). Cytogenetic location: 3q21.3.
Variant type: single nucleotide variant.
Coding change: c.144A>G on transcript NM_004526.4 (MANE Select); coding-DNA position 144, A replaced by G.
Protein change: p.Pro48=; no amino-acid change (proline 48 retained).
Molecular consequence: synonymous variant. On other transcripts: non-coding transcript variant (1).
Genome position (GRCh38, 1-based): chr3:127,599,455, A>G. VCF-style: chr3-127599455-A-G. GRCh37 (hg19) VCF-style: chr3-127318298-A-G.
Identifiers: ClinVar variation 668396 (VCV000668396.2), dbSNP rs761404358, ClinGen allele CA2595483.

ClinVar aggregate classification (germline): Likely benign. Review status: criteria provided, multiple submitters, no conflicts (2 of 4 stars). 2 submissions from 2 submitters: Likely benign (2). Last evaluated 2022-09-07.

Allele frequency attached by ClinVar (database versions not stated): ExAC 0.00001; gnomAD 0.00001; gnomAD exomes 0.00001; TOPMed 0.00001.

Submissions (2):

Blueprint Genetics
Classification: Likely benign. Last evaluated: 2022-09-07. Review status: criteria provided, single submitter. Criteria: ACMG Guidelines, 2015. Collection method: clinical testing. Allele origin: germline.

GeneDx
Classification: Likely benign. Last evaluated: 2018-05-23. Review status: criteria provided, single submitter. Criteria: GeneDx Variant Classification (06012015). Collection method: clinical testing. Allele origin: germline. Affected: yes.
Comment: This variant is considered likely benign or benign based on one or more of the following criteria: it is a conservative change, it occurs at a poorly conserved position in the protein, it is predicted to be benign by multiple in silico algorithms, and/or has population frequency not consistent with disease.